The following is an entry in ClinVar:

ClinVar aggregate classification (germline): Pathogenic (1 of 4 stars; one submission).

Conditions:
Mucopolysaccharidosis type 6 (MPS6). Also called: MPS VI; ARSB DEFICIENCY; ARYLSULFATASE B DEFICIENCY; MPS 6; Maroteaux Lamy syndrome; N-ACETYLGALACTOSAMINE-4-SULFATASE DEFICIENCY. Identifiers: Orphanet 583, MedGen C0026709, MONDO:0009661, OMIM 253200.

Allele frequency attached by ClinVar (database versions not stated): gnomAD exomes below 0.00001.
gnomAD v4.1: 1 of 1,614,198 alleles (0.000062%); highest among the groups gnomAD compares: Non-Finnish European, 0.000085%; no homozygotes.

Submission:

Labcorp Genetics (formerly Invitae), Labcorp
Classification: Pathogenic for Mucopolysaccharidosis type 6. Last evaluated: 2022-08-31. Review status: criteria provided, single submitter. Criteria: Invitae Variant Classification Sherloc (09022015). Collection method: clinical testing. Allele origin: germline.
Comment: This sequence change creates a premature translational stop signal (p.Glu249*) in the ARSB gene. It is expected to result in an absent or disrupted protein product. Loss-of-function variants in ARSB are known to be pathogenic (PMID: 17458871, 22133300). This variant is not present in population databases (gnomAD no frequency). For these reasons, this variant has been classified as Pathogenic. This variant has not been reported in the literature in individuals affected with ARSB-related conditions.

Literature cited by the submitters: PubMed 17458871; PubMed 22133300.

NM_000046.5(ARSB):c.745G>T (p.Glu249Ter)

Gene: ARSB (arylsulfatase B; minus strand). Cytogenetic location: 5q14.1.
Variant type: single nucleotide variant.
Coding change: c.745G>T on transcript NM_000046.5 (MANE Select); coding-DNA position 745, G replaced by T.
Protein change: p.Glu249Ter; replaces glutamic acid 249 with a stop codon.
Molecular consequence: nonsense.
Genome position (GRCh38, 1-based): chr5:78,955,448, C>A on the plus strand (G>T on the coding strand, the complement: ARSB is on the minus strand). VCF-style: chr5-78955448-C-A. GRCh37 (hg19) VCF-style: chr5-78251271-C-A.
Other names: c.745G>T, p.Glu249Ter (NM_198709.3); short protein forms E249*.
Identifiers: ClinVar variation 2028132 (VCV002028132.4), dbSNP rs2479695783, ClinGen allele CA360192237.